The following is an entry in ClinVar:

NM_005228.5(EGFR):c.2284-16C>T

Genes: EGFR (epidermal growth factor receptor; plus strand), EGFR-AS1 (EGFR antisense RNA 1; minus strand). Cytogenetic location: 7p11.2.
Variant type: single nucleotide variant.
Coding change: c.2284-16C>T on transcript NM_005228.5 (MANE Select); 16 bases into the intron before coding-DNA position 2284, C replaced by T.
Molecular consequence: intron variant. On other transcripts: non-coding transcript variant (1).
Genome position (GRCh38, 1-based): chr7:55,181,277, C>T. VCF-style: chr7-55181277-C-T. GRCh37 (hg19) VCF-style: chr7-55248970-C-T.
Other names: c.2149-16C>T (NM_001346899.2, NM_001346897.2); c.1483-16C>T (NM_001346941.2); c.2284-16C>T (NM_001346898.2); c.2125-16C>T (NM_001346900.2).
Identifiers: ClinVar variation 1653152 (VCV001653152.9), dbSNP rs1199922893, ClinGen allele CA455164975.
Genomic context (GRCh38, chr7:55,181,277, plus strand): 5'-ACCTGGAAGGGGTCCATGTGCCCCTCCTTCTGGCCACCATGCGAAGCCACACTGACGTGC[C>T]TCTCCCTCCCTCCAGGAAGCCTACGTGATGGCCAGCGTGGACAACCCCCACGTGTGCCGC-3'

ClinVar aggregate classification (germline): Likely benign. Review status: criteria provided, multiple submitters, no conflicts (2 of 4 stars). 2 submissions from 2 submitters: Likely benign (2). Last evaluated 2025-12-06.

Conditions:
Lung cancer. Also called: Lung cancer, somatic; Malignant tumor of lung. Identifiers: MedGen C0242379, MONDO:0008903, OMIM 211980.
EGFR-related lung cancer (EGFR). Identifiers: MedGen CN130014.

Allele frequency attached by ClinVar (database versions not stated): gnomAD exomes below 0.00001.
gnomAD v4.1: 4 of 1,613,944 alleles (0.00025%); highest among the groups gnomAD compares: East Asian, 0.0022%; no homozygotes.

Submissions (2):

Labcorp Genetics (formerly Invitae), Labcorp
Classification: Likely benign for EGFR-related lung cancer. Last evaluated: 2025-12-06. Review status: criteria provided, single submitter. Criteria: Invitae Variant Classification Sherloc (09022015). Collection method: clinical testing. Allele origin: germline.

Myriad Genetics, Inc.
Classification: Likely benign for Lung cancer. Last evaluated: 2024-10-16. Review status: criteria provided, single submitter. Criteria: Myriad Autosomal Dominant, Autosomal Recessive and X-Linked Classification Criteria (2023). Collection method: clinical testing. Allele origin: unknown.
Comment: This variant is considered likely benign. This variant is intronic and is not expected to impact mRNA splicing.